The following is an entry in ClinVar:

ClinVar aggregate classification (germline): Likely benign. Review status: criteria provided, multiple submitters, no conflicts (2 of 4 stars). 3 submissions from 3 submitters: Likely benign (3). Last evaluated 2026-01-13.

Conditions:
Hereditary cancer-predisposing syndrome. Also called: Tumor predisposition; Hereditary neoplastic syndrome; Hereditary Cancer Syndrome; Neoplastic Syndromes, Hereditary. Identifiers: Orphanet 140162, MedGen C0027672, MeSH D009386, MONDO:0015356.
Gorlin syndrome. Also called: Nevoid Basal Cell Carcinoma Syndrome; Basal cell nevus syndrome. Identifiers: Orphanet 377, MedGen C0004779, MONDO:0007187.

Allele frequency attached by ClinVar (database versions not stated): gnomAD exomes 0.00002 and 0.00006; TOPMed 0.00006; ExAC 0.00008.

Submissions (3):

Labcorp Genetics (formerly Invitae), Labcorp
Classification: Likely benign for Gorlin syndrome. Last evaluated: 2026-01-13. Review status: criteria provided, single submitter. Criteria: Invitae Variant Classification Sherloc (09022015). Collection method: clinical testing. Allele origin: germline.

CeGaT Center for Human Genetics Tuebingen
Classification: Likely benign. Last evaluated: 2025-02-01. Review status: criteria provided, single submitter. Criteria: CeGaT Center For Human Genetics Tuebingen Variant Classification Criteria Version 2. Collection method: clinical testing. Allele origin: germline. Affected: yes. Observed: 1 variant allele.
Comment: PTCH1: BP4, BP7

Ambry Genetics
Classification: Likely benign for Hereditary cancer-predisposing syndrome. Last evaluated: 2017-03-13. Review status: criteria provided, single submitter. Criteria: Ambry Variant Classification Scheme 2023. Collection method: clinical testing. Allele origin: germline.

NM_000264.5(PTCH1):c.3516C>T (p.Pro1172=)

Gene: PTCH1 (patched 1; minus strand). Cytogenetic location: 9q22.32.
Variant type: single nucleotide variant.
Coding change: c.3516C>T on transcript NM_000264.5 (MANE Select); coding-DNA position 3516, C replaced by T.
Protein change: p.Pro1172=; no amino-acid change (proline 1172 retained).
Molecular consequence: synonymous variant. On other transcripts: non-coding transcript variant (1).
Genome position (GRCh38, 1-based): chr9:95,449,874, G>A on the plus strand (C>T on the coding strand, the complement: PTCH1 is on the minus strand). VCF-style: chr9-95449874-G-A. GRCh37 (hg19) VCF-style: chr9-98212156-G-A.
Other names: c.3318C>T, p.Pro1106= (NM_001083602.3); c.3513C>T, p.Pro1171= (NM_001083603.3); c.3063C>T, p.Pro1021= (NM_001083604.3, NM_001083605.3, NM_001083606.3 and 1 more transcripts); c.3360C>T, p.Pro1120= (NM_001354918.2).
Identifiers: ClinVar variation 415470 (VCV000415470.29), dbSNP rs775292833, ClinGen allele CA5138125.